The following is an entry in ClinVar:

NM_001165963.4(SCN1A):c.3347C>A (p.Pro1116Gln)

Genes: SCN1A (sodium voltage-gated channel alpha subunit 1; minus strand), LOC102724058 (uncharacterized LOC102724058; plus strand). Cytogenetic location: 2q24.3.
Variant type: single nucleotide variant.
Coding change: c.3347C>A on transcript NM_001165963.4 (MANE Select); coding-DNA position 3347, C replaced by A.
Protein change: p.Pro1116Gln; replaces proline 1116 with glutamine.
Molecular consequence: missense variant. On other transcripts: non-coding transcript variant (2).
Genome position (GRCh38, 1-based): chr2:166,036,130, G>T on the plus strand (C>A on the coding strand, the complement: SCN1A is on the minus strand). VCF-style: chr2-166036130-G-T. GRCh37 (hg19) VCF-style: chr2-166892640-G-T.
Other names: c.3263C>A, p.Pro1088Gln (NM_001165964.3, NM_001353957.2, NM_001353958.2); c.3347C>A, p.Pro1116Gln (NM_001202435.3, NM_001353948.2); c.3314C>A, p.Pro1105Gln (NM_001353949.2, NM_001353950.2, NM_001353951.2 and 2 more transcripts); c.3311C>A, p.Pro1104Gln (NM_001353954.2, NM_001353955.2); c.3260C>A, p.Pro1087Gln (NM_001353960.2); c.905C>A, p.Pro302Gln (NM_001353961.2); short protein forms P1105Q, P1088Q, P1104Q, P1116Q, P1087Q, P302Q.
Identifiers: ClinVar variation 493295 (VCV000493295.44), dbSNP rs1553540184, ClinGen allele CA349059254.

ClinVar aggregate classification (germline): Uncertain significance. Review status: criteria provided, multiple submitters, no conflicts (2 of 4 stars). 2 submissions from 2 submitters: Uncertain significance (2). Last evaluated 2023-09-04.

Conditions:
Severe myoclonic epilepsy in infancy (DRVT). Also called: Dravet syndrome; Epileptic encephalopathy, early infantile, 6 (Dravet syndrome); SEVERE MYOCLONIC EPILEPSY OF INFANCY; DEVELOPMENTAL AND EPILEPTIC ENCEPHALOPATHY 6A; Severe Myoclonic Epilepsy in Infancy (SMEI). Identifiers: Orphanet 33069, MedGen C0751122, MONDO:0100135, OMIM 607208.

Submissions (2):

3billion
Classification: Uncertain significance for Severe myoclonic epilepsy in infancy. Last evaluated: 2023-09-04. Review status: criteria provided, single submitter. Criteria: ACMG Guidelines, 2015. Collection method: clinical testing. Allele origin: germline. Affected: yes.
Comment: The variant is not observed in the gnomAD v2.1.1 dataset. Predicted Consequence/Location: Missense variant In silico tool predictions suggest damaging effect of the variant on gene or gene product [REVEL: 0.83 (>=0.6, sensitivity 0.68 and specificity 0.92); 3Cnet: 0.85 (>=0.6, sensitivity 0.72 and precision 0.9)]. Therefore, this variant is classified as VUS according to the recommendation of ACMG/AMP guideline.

CeGaT Center for Human Genetics Tuebingen
Classification: Uncertain significance. Last evaluated: 2018-09-01. Review status: criteria provided, single submitter. Criteria: CeGaT Center For Human Genetics Tuebingen Variant Classification Criteria Version 2. Collection method: clinical testing. Allele origin: germline. Affected: yes. Observed: 2 variant alleles.